The following is an entry in ClinVar:

NM_001127208.3(TET2):c.1777C>A (p.Gln593Lys)

Genes: TET2 (tet methylcytosine dioxygenase 2; plus strand), TET2-AS1 (TET2 antisense RNA 1; minus strand). Cytogenetic location: 4q24.
Variant type: single nucleotide variant.
Coding change: c.1777C>A on transcript NM_001127208.3 (MANE Select); coding-DNA position 1777, C replaced by A.
Protein change: p.Gln593Lys; replaces glutamine 593 with lysine.
Molecular consequence: missense variant.
Genome position (GRCh38, 1-based): chr4:105,235,719, C>A. VCF-style: chr4-105235719-C-A. GRCh37 (hg19) VCF-style: chr4-106156876-C-A.
Other names: c.1777C>A, p.Gln593Lys (NM_017628.4); short protein forms Q593K.
Identifiers: ClinVar variation 5030752 (VCV005030752.1).
Genomic context (GRCh38, chr4:105,235,719, plus strand): 5'-CACCAAGCGGAATCCCATCTAAAACGTAATGAGGCATCACTGCCATCAATTCTTCAGTAT[C>A]AACCCAATCTCTCCAATCAAATGACCTCCAAACAATACACTGGAAATTCCAACATGCCTG-3'
Protein context (NP_001120680.1, residues 583-603): EASLPSILQY[Gln593Lys]PNLSNQMTSK

ClinVar aggregate classification (germline): Uncertain significance (1 of 4 stars; one submission).

Submission:

Ambry Genetics
Classification: Uncertain significance. Last evaluated: 2026-08-15. Review status: criteria provided, single submitter. Criteria: Ambry Variant Classification Scheme 2023. Collection method: clinical testing. Allele origin: germline.
Comment: The p.Q593K variant (also known as c.1777C>A), located in coding exon 1 of the TET2 gene, results from a C to A substitution at nucleotide position 1777. The glutamine at codon 593 is replaced by lysine, an amino acid with similar properties. This amino acid position is conserved. In addition, this alteration is predicted to be tolerated by in silico analysis. Based on the available evidence, the clinical significance of this variant remains unclear.